The following is an entry in ClinVar:

ClinVar aggregate classification (germline): Uncertain significance (1 of 4 stars; one submission).

Submission:

Labcorp Genetics (formerly Invitae), Labcorp
Classification: Uncertain significance. Last evaluated: 2024-10-23. Review status: criteria provided, single submitter. Criteria: Invitae Variant Classification Sherloc (09022015). Collection method: clinical testing. Allele origin: germline.
Comment: This variant, c.497_514del, results in the deletion of 6 amino acid(s) of the WBP2 protein (p.Cys166_Pro171del), but otherwise preserves the integrity of the reading frame. The frequency data for this variant in the population databases is considered unreliable, as metrics indicate poor data quality at this position in the gnomAD database. This variant has not been reported in the literature in individuals affected with WBP2-related conditions. Experimental studies and prediction algorithms are not available or were not evaluated, and the functional significance of this variant is currently unknown. In summary, the available evidence is currently insufficient to determine the role of this variant in disease. Therefore, it has been classified as a Variant of Uncertain Significance.

NM_012478.4(WBP2):c.497_514del (p.Cys166_Pro171del)

Gene: WBP2 (WW domain binding protein 2; minus strand). Cytogenetic location: 17q25.1.
Variant type: Deletion.
Coding change: c.497_514del on transcript NM_012478.4 (MANE Select); coding-DNA positions 497 to 514, 18 bases deleted (GCCCTCCTGGCTACCCCT).
Protein change: p.Cys166_Pro171del.
Molecular consequence: intron variant (on NM_001330499.2).
Genome position (GRCh38, 1-based): chr17:75,847,814-75,847,831, AGGGGTAGCCAGGAGGGC deleted on the plus strand (GCCCTCCTGGCTACCCCT on the coding strand, the reverse complement: WBP2 is on the minus strand); deleting any 18 consecutive bases within chr17:75,847,814-75,847,838 gives the same sequence; the c. name uses the placement nearest the transcript's 3' end. VCF-style (leftmost placement, unchanged base first): chr17-75847813-TAGGGGTAGCCAGGAGGGC-T. GRCh37 (hg19) VCF-style: chr17-73843894-TAGGGGTAGCCAGGAGGGC-T.
Other names: c.497_514del, p.Cys166_Pro171del (NM_001348170.1); c.398-222_398-205del (NM_001330499.2).
Identifiers: ClinVar variation 3713983 (VCV003713983.2).